The following is an entry in ClinVar:

ClinVar aggregate classification (germline): Conflicting classifications of pathogenicity. Review status: criteria provided, conflicting classifications (1 of 4 stars). 4 submissions from 4 submitters: Uncertain significance (1); Benign (2); Likely benign (1). Last evaluated 2024-09-17.

Conditions:
Occult macular dystrophy (OCMD). Also called: OMD; OCCULT MACULAR DYSTROPHY, SUSCEPTIBILITY TO. Identifiers: Orphanet 247834, MedGen C3150833, MONDO:0013316, OMIM 613587, HP:0030636.

Allele frequency attached by ClinVar (database versions not stated): gnomAD 0.00009; TOPMed 0.00013; 1000 Genomes Project 0.00020; ExAC 0.00024; gnomAD exomes 0.00026; 1000 Genomes Project 30x 0.00031.
gnomAD v4.1: 188 of 1,614,034 alleles (0.012%); highest among the groups gnomAD compares: Middle Eastern, 0.48%; 2 homozygotes.

Submissions (4):

Blueprint Genetics
Classification: Likely benign. Last evaluated: 2024-09-17. Review status: criteria provided, single submitter. Criteria: ACMG Guidelines, 2015. Collection method: clinical testing. Allele origin: germline.

CeGaT Center for Human Genetics Tuebingen
Classification: Uncertain significance. Last evaluated: 2022-12-01. Review status: criteria provided, single submitter. Criteria: CeGaT Center For Human Genetics Tuebingen Variant Classification Criteria Version 2. Collection method: clinical testing. Allele origin: germline. Affected: yes. Observed: 1 variant allele.
Comment: RP1L1: PM2:Supporting, BP4

Illumina Laboratory Services, Illumina
Classification: Benign for Occult macular dystrophy. Last evaluated: 2018-01-12. Review status: criteria provided, single submitter. Criteria: ICSL Variant Classification Criteria 13 December 2019. Collection method: clinical testing. Allele origin: germline.
Comment: This variant was observed in the ICSL laboratory as part of a predisposition screen in an ostensibly healthy population. It had not been previously curated by ICSL or reported in the Human Gene Mutation Database (HGMD: prior to June 1st, 2018), and was therefore a candidate for classification through an automated scoring system. Utilizing variant allele frequency, disease prevalence and penetrance estimates, and inheritance mode, an automated score was calculated to assess if this variant is too frequent to cause the disease. Based on the score and internal cut-off values, a variant classified as benign is not then subjected to further curation. The score for this variant resulted in a classification of benign for this disease.

Breakthrough Genomics
Classification: Benign. Review status: criteria provided, single submitter. Criteria: ACMG Guidelines, 2015. Collection method: not provided. Allele origin: germline. Inheritance: Autosomal recessive inheritance. Affected: yes.

NM_178857.6(RP1L1):c.5224G>A (p.Glu1742Lys)

Gene: RP1L1 (RP1 like 1). Cytogenetic location: 8p23.1.
Variant type: single nucleotide variant.
Coding change: c.5224G>A on transcript NM_178857.6 (MANE Select); coding-DNA position 5224, G replaced by A.
Protein change: p.Glu1742Lys; replaces glutamic acid 1742 with lysine.
Molecular consequence: missense variant.
Genome position (GRCh38, 1-based): chr8:10,608,874, C>T on the plus strand (G>A on the coding strand, the complement: RP1L1 is on the minus strand). VCF-style: chr8-10608874-C-T. GRCh37 (hg19) VCF-style: chr8-10466384-C-T.
Other names: short protein forms E1742K.
Identifiers: ClinVar variation 361256 (VCV000361256.36), dbSNP rs558895396, ClinGen allele CA4623726.
Genomic context (GRCh38, chr8:10,608,874, plus strand): 5'-CCCCGAGTTTGGGATCTTTGTCTCTGTTGAGTCTCTGGCTCCCCTCGCCATCCTCACCCT[C>T]GTCCACTCCAGGCCCCTGGCTCAGCCCCGGCCCCAGCCCTCCCTCAGCTCCCTGGACAGT-3'
Protein context (NP_849188.4, residues 1732-1752): PGLSQGPGVD[Glu1742Lys]GEDGEGSQRL